The following is an entry in ClinVar:

NM_004082.5(DCTN1):c.459G>A (p.Thr153=)

Gene: DCTN1 (dynactin subunit 1; minus strand). Cytogenetic location: 2p13.1.
Variant type: single nucleotide variant.
Coding change: c.459G>A on transcript NM_004082.5 (MANE Select); coding-DNA position 459, G replaced by A.
Protein change: p.Thr153=; no amino-acid change (threonine 153 retained).
Molecular consequence: synonymous variant. On other transcripts: non-coding transcript variant (1).
Genome position (GRCh38, 1-based): chr2:74,371,723, C>T on the plus strand (G>A on the coding strand, the complement: DCTN1 is on the minus strand). VCF-style: chr2-74371723-C-T. GRCh37 (hg19) VCF-style: chr2-74598850-C-T.
Other names: c.459G>A (NM_004082.4); c.399G>A, p.Thr133= (NM_001135040.3); c.57G>A, p.Thr19= (NM_001135041.3, NM_023019.4); c.348G>A, p.Thr116= (NM_001190836.2); c.438G>A, p.Thr146= (NM_001190837.2); c.408G>A, p.Thr136= (NM_001378991.1); c.390G>A, p.Thr130= (NM_001378992.1).
Identifiers: ClinVar variation 1591997 (VCV001591997.9), dbSNP rs773422770, ClinGen allele CA1722393.

ClinVar aggregate classification (germline): Likely benign. Review status: criteria provided, multiple submitters, no conflicts (2 of 4 stars). 2 submissions from 2 submitters: Likely benign (2). Last evaluated 2025-03-09.

Conditions:
DCTN1-related disorder. Also called: DCTN1-related condition.
Perry syndrome. Also called: PARKINSONISM WITH ALVEOLAR HYPOVENTILATION AND MENTAL DEPRESSION. Identifiers: Orphanet 178509, MedGen C1868594, MONDO:0008201, OMIM 168605.
Neuronopathy, distal hereditary motor, type 7B. Also called: Distal Hereditary Motor Neuronopathy Type 7B (dHMN7B); NEURONOPATHY, DISTAL HEREDITARY MOTOR, HARDING TYPE VIIB; NEUROPATHY, DISTAL HEREDITARY MOTOR, HARDING TYPE VIIB; NEUROPATHY, DISTAL HEREDITARY MOTOR, WITH VOCAL CORD PARALYSIS, HARDING TYPE VIIB; NEURONOPATHY, DISTAL HEREDITARY MOTOR, AUTOSOMAL DOMINANT 14; HMN VIIB. Identifiers: Orphanet 139589, MedGen C1843315, MONDO:0011879, OMIM 607641.
Amyotrophic lateral sclerosis type 1 (ALS1). Also called: AMYOTROPHIC LATERAL SCLEROSIS 1, FAMILIAL. Identifiers: Orphanet 803, MedGen C1862939, MONDO:0007103, OMIM 105400.

Allele frequency attached by ClinVar (database versions not stated): gnomAD 0.00001; TOPMed 0.00001.
gnomAD v4.1: 8 of 1,607,438 alleles (0.0005%); highest among the groups gnomAD compares: Admixed American, 0.0017%; no homozygotes.

Submissions (2):

PreventionGenetics, part of Exact Sciences
Classification: Likely benign for DCTN1-related condition. Last evaluated: 2025-03-09. Review status: criteria provided, single submitter. Criteria: ACMG Guidelines, 2015. Collection method: clinical testing. Allele origin: germline.
Comment: This variant is classified as likely benign based on ACMG/AMP sequence variant interpretation guidelines (Richards et al. 2015 PMID: 25741868, with internal and published modifications).

Labcorp Genetics (formerly Invitae), Labcorp
Classification: Likely benign for Amyotrophic lateral sclerosis type 1; Neuronopathy, distal hereditary motor, type 7B; Perry syndrome. Last evaluated: 2021-04-16. Review status: criteria provided, single submitter. Criteria: Invitae Variant Classification Sherloc (09022015). Collection method: clinical testing. Allele origin: germline.